The following is an entry in ClinVar:

ClinVar aggregate classification (germline): Uncertain significance. Review status: criteria provided, multiple submitters, no conflicts (2 of 4 stars). 2 submissions from 2 submitters: Uncertain significance (2). Last evaluated 2024-09-09.

Conditions:
DICER1-related tumor predisposition. Also called: DICER1-related pleuropulmonary blastoma cancer predisposition syndrome; DICER1 syndrome. Identifiers: Orphanet 284343, MedGen C3839822, MONDO:0100216.
Hereditary cancer-predisposing syndrome. Also called: Hereditary Cancer Syndrome; Neoplastic Syndromes, Hereditary; Hereditary neoplastic syndrome; Tumor predisposition. Identifiers: Orphanet 140162, MedGen C0027672, MeSH D009386, MONDO:0015356.

Allele frequency attached by ClinVar (database versions not stated): gnomAD exomes below 0.00001.
gnomAD v4.1: 1 of 1,613,608 alleles (0.000062%); highest among the groups gnomAD compares: South Asian, 0.0011%; no homozygotes.

Submissions (2):

Ambry Genetics
Classification: Uncertain significance for Hereditary cancer-predisposing syndrome. Last evaluated: 2024-09-09. Review status: criteria provided, single submitter. Criteria: Ambry Variant Classification Scheme 2023. Collection method: clinical testing. Allele origin: germline.
Comment: The p.T666A variant (also known as c.1996A>G), located in coding exon 11 of the DICER1 gene, results from an A to G substitution at nucleotide position 1996. The threonine at codon 666 is replaced by alanine, an amino acid with similar properties. This amino acid position is well conserved in available vertebrate species. In addition, the in silico prediction for this alteration is inconclusive. Based on the available evidence, the clinical significance of this variant remains unclear.

Labcorp Genetics (formerly Invitae), Labcorp
Classification: Uncertain significance for DICER1-related tumor predisposition. Last evaluated: 2024-05-07. Review status: criteria provided, single submitter. Criteria: Invitae Variant Classification Sherloc (09022015). Collection method: clinical testing. Allele origin: germline.
Comment: This sequence change replaces threonine, which is neutral and polar, with alanine, which is neutral and non-polar, at codon 666 of the DICER1 protein (p.Thr666Ala). This variant is not present in population databases (gnomAD no frequency). This variant has not been reported in the literature in individuals affected with DICER1-related conditions. ClinVar contains an entry for this variant (Variation ID: 820496). Advanced modeling of protein sequence and biophysical properties (such as structural, functional, and spatial information, amino acid conservation, physicochemical variation, residue mobility, and thermodynamic stability) performed at Invitae indicates that this missense variant is not expected to disrupt DICER1 protein function with a negative predictive value of 80%. In summary, the available evidence is currently insufficient to determine the role of this variant in disease. Therefore, it has been classified as a Variant of Uncertain Significance.

NM_177438.3(DICER1):c.1996A>G (p.Thr666Ala)

Gene: DICER1 (dicer 1, ribonuclease III; minus strand). Cytogenetic location: 14q32.13.
Variant type: single nucleotide variant.
Coding change: c.1996A>G on transcript NM_177438.3 (MANE Select); coding-DNA position 1996, A replaced by G.
Protein change: p.Thr666Ala; replaces threonine 666 with alanine.
Molecular consequence: missense variant.
Genome position (GRCh38, 1-based): chr14:95,113,136, T>C on the plus strand (A>G on the coding strand, the complement: DICER1 is on the minus strand). VCF-style: chr14-95113136-T-C. GRCh37 (hg19) VCF-style: chr14-95579473-T-C.
Other names: c.1996A>G, p.Thr666Ala (NM_001195573.1, NM_001271282.3, NM_001291628.2 and 1 more transcripts); short protein forms T666A.
Identifiers: ClinVar variation 820496 (VCV000820496.12), dbSNP rs765014294, ClinGen allele CA265913397.
Genomic context (GRCh38, chr14:95,113,136, plus strand): 5'-CTTCTTCTAAACTTACAACAATGGAGGCTCGAAGAGGTGAGTTAATTGGCAGATAAAGAG[T>C]TGAATAAAATGTACCATCAGGCAACTCTCGGGTTCTGCATTTAGGAGCTAGATGAGTAAA-3'
Protein context (NP_803187.1, residues 656-676): RELPDGTFYS[Thr666Ala]LYLPINSPLR